The following is an entry in ClinVar:

ClinVar aggregate classification (germline): Uncertain significance (1 of 4 stars; one submission).

Conditions:
Dyskeratosis congenita, autosomal recessive 5 (DKCB5). Identifiers: MedGen C3554656, MONDO:0014076, OMIM 615190.
Pulmonary fibrosis and/or bone marrow failure, Telomere-related, 3. Also called: PULMONARY FIBROSIS AND/OR BONE MARROW FAILURE SYNDROME, TELOMERE-RELATED, 3. Identifiers: Orphanet 2032, MedGen C4225346, MONDO:0014613, OMIM 616373.

Allele frequency attached by ClinVar (database versions not stated): gnomAD exomes 0.00001 and 0.00002; ExAC 0.00002; gnomAD 0.00002; TOPMed 0.00002; ESP Exome Variant Server 0.00008.
gnomAD v4.1: 29 of 1,611,892 alleles (0.0018%); highest among the groups gnomAD compares: South Asian, 0.0033%; no homozygotes.

Submission:

Labcorp Genetics (formerly Invitae), Labcorp
Classification: Uncertain significance for Dyskeratosis congenita, autosomal recessive 5; Pulmonary fibrosis and/or bone marrow failure, Telomere-related, 3. Last evaluated: 2024-12-05. Review status: criteria provided, single submitter. Criteria: Invitae Variant Classification Sherloc (09022015). Collection method: clinical testing. Allele origin: germline.
Comment: This sequence change replaces alanine, which is neutral and non-polar, with valine, which is neutral and non-polar, at codon 1001 of the RTEL1 protein (p.Ala1001Val). This variant is present in population databases (rs150072861, gnomAD 0.006%). This variant has not been reported in the literature in individuals affected with RTEL1-related conditions. ClinVar contains an entry for this variant (Variation ID: 1378394). An algorithm developed to predict the effect of missense changes on protein structure and function (PolyPhen-2) suggests that this variant¬¨‚Ä†is likely to be tolerated. In summary, the available evidence is currently insufficient to determine the role of this variant in disease. Therefore, it has been classified as a Variant of Uncertain Significance.

NM_001283009.2(RTEL1):c.3002C>T (p.Ala1001Val)

Genes: RTEL1 (regulator of telomere elongation helicase 1; plus strand), RTEL1-TNFRSF6B (RTEL1-TNFRSF6B readthrough (NMD candidate); plus strand). Cytogenetic location: 20q13.33.
Variant type: single nucleotide variant.
Coding change: c.3002C>T on transcript NM_001283009.2 (MANE Select); coding-DNA position 3002, C replaced by T.
Protein change: p.Ala1001Val; replaces alanine 1001 with valine.
Molecular consequence: missense variant. On other transcripts: non-coding transcript variant (1).
Genome position (GRCh38, 1-based): chr20:63,694,381, C>T. VCF-style: chr20-63694381-C-T. GRCh37 (hg19) VCF-style: chr20-62325734-C-T.
Other names: c.2333C>T, p.Ala778Val (NM_001283010.1); c.3002C>T, p.Ala1001Val (NM_016434.4); c.3074C>T, p.Ala1025Val (NM_032957.5); short protein forms A1025V, A778V, A1001V.
Identifiers: ClinVar variation 1378394 (VCV001378394.6), dbSNP rs150072861, ClinGen allele CA9965791.